The following is an entry in ClinVar:

ClinVar aggregate classification (germline): Likely pathogenic (1 of 4 stars; one submission).

Conditions:
Primary dilated cardiomyopathy (DCM). Also called: Dilated Cardiomyopathy. Identifiers: Orphanet 217604, MedGen C0007193, MeSH D002311, MONDO:0005021, HP:0001644. Inheritance: Various modes of inheritance.

Submission:

Cardiovascular Biomedical Research Unit, Royal Brompton & Harefield NHS Foundation Trust
Classification: Likely pathogenic for Primary dilated cardiomyopathy. Last evaluated: 2014-10-08. Review status: criteria provided, single submitter. Criteria: Roberts et al. 2015. Collection method: research. Allele origin: germline. Inheritance: Autosomal dominant inheritance. Affected: yes. Observed: 1 variant allele. Study: Endstage DCM.
Comment: In the seven cohorts assessed, TTNtv were found in 14% of ambulant DCM, 22% end-stage or familial DCM, and 2% controls. Heterozygous nonsense, frameshift and canonical splice-disrupting variants found in constitutive and other highly utilised exons are highly likely to be pathogenic when identified in individuals with phenotypically confirmed DCM. TTNtv found incidentally in healthy individuals (excluding familial assessment of DCM relatives) are thought to have low penetrance, particularly when identified in exons that are not constitutively expressed in the heart.

NM_001267550.2(TTN):c.59627-1G>A

Genes: TTN (titin; minus strand), TTN-AS1 (TTN antisense RNA 1; plus strand), LOC126806424 (CDK7 strongly-dependent group 2 enhancer GRCh37_chr2:179456337-179457536; plus strand). Cytogenetic location: 2q31.2.
Variant type: single nucleotide variant.
Coding change: c.59627-1G>A on transcript NM_001267550.2 (MANE Select); the canonical splice acceptor site of the intron before coding-DNA position 59627, G replaced by A.
Molecular consequence: splice acceptor variant.
Genome position (GRCh38, 1-based): chr2:178,592,278, C>T on the plus strand (G>A on the coding strand, the complement: TTN is on the minus strand). VCF-style: chr2-178592278-C-T. GRCh37 (hg19) VCF-style: chr2-179457005-C-T.
Other names: c.59627-1G>A (LRG_391t1); c.32432-1G>A (NM_003319.4); c.33008-1G>A (NM_133437.4); c.32807-1G>A (NM_133432.3); c.51923-1G>A (NM_133378.4); c.54704-1G>A (NM_001256850.1).
Identifiers: ClinVar variation 223313 (VCV000223313.1), dbSNP rs869312073, ClinGen allele CA353250.
Genomic context (GRCh38, chr2:178,592,278, plus strand): 5'-GGTAACATGAATCTTTCCTAATTTCACTGACTTCCAGATCTCTAGGTGGCCCAGGTTTAT[C>T]TAAAAAGTGTTAAATAACAGTTTGATAAGTAATTTTATCCATATAAGAGCTCAAAATTAT-3'